The following is an entry in ClinVar:

ClinVar aggregate classification (germline): Likely benign (1 of 4 stars; one submission).

gnomAD v4.1: 10 of 1,614,198 alleles (0.00062%); highest among the groups gnomAD compares: Admixed American, 0.0017%; no homozygotes.

Submission:

CeGaT Center for Human Genetics Tuebingen
Classification: Likely benign. Last evaluated: 2026-01-01. Review status: criteria provided, single submitter. Criteria: CeGaT Center For Human Genetics Tuebingen Variant Classification Criteria Version 2. Collection method: clinical testing. Allele origin: germline. Affected: yes. Observed: 1 variant allele.
Comment: CIT: BP4, BP7

NM_001206999.2(CIT):c.894T>C (p.Tyr298=)

Gene: CIT (citron rho-interacting serine/threonine kinase; minus strand). Cytogenetic location: 12q24.23.
Variant type: single nucleotide variant.
Coding change: c.894T>C on transcript NM_001206999.2 (MANE Select); coding-DNA position 894, T replaced by C.
Protein change: p.Tyr298=; no amino-acid change (tyrosine 298 retained).
Molecular consequence: synonymous variant.
Genome position (GRCh38, 1-based): chr12:119,825,228, A>G on the plus strand (T>C on the coding strand, the complement: CIT is on the minus strand). VCF-style: chr12-119825228-A-G. GRCh37 (hg19) VCF-style: chr12-120263032-A-G.
Other names: c.894T>C, p.Tyr298= (NM_007174.3).
Identifiers: ClinVar variation 4823024 (VCV004823024.4).